The following is an entry in ClinVar:

NM_001009944.3(PKD1):c.10316G>A (p.Arg3439Gln)

Gene: PKD1 (polycystin 1, transient receptor potential channel interacting; minus strand). Cytogenetic location: 16p13.3.
Variant type: single nucleotide variant.
Coding change: c.10316G>A on transcript NM_001009944.3 (MANE Select); coding-DNA position 10316, G replaced by A.
Protein change: p.Arg3439Gln; replaces arginine 3439 with glutamine.
Molecular consequence: missense variant.
Genome position (GRCh38, 1-based): chr16:2,097,408, C>T on the plus strand (G>A on the coding strand, the complement: PKD1 is on the minus strand). VCF-style: chr16-2097408-C-T. GRCh37 (hg19) VCF-style: chr16-2147409-C-T.
Other names: c.10313G>A, p.Arg3438Gln (NM_000296.4); short protein forms R3438Q, R3439Q.
Identifiers: ClinVar variation 997300 (VCV000997300.2), dbSNP rs138546384, ClinGen allele CA7829661.

ClinVar aggregate classification (germline): Likely benign. Review status: criteria provided, single submitter (1 of 4 stars). 2 submissions from 2 submitters: Likely benign (1). 1 of the submissions does not count toward it. Last evaluated 2024-03-18.

Conditions:
Polycystic kidney disease. Also called: Kidney, Polycystic; Polycystic kidney dysplasia. Identifiers: MedGen C0022680, MeSH D007690, MONDO:0020642, HP:0000113.

Allele frequency attached by ClinVar (database versions not stated): gnomAD exomes 0.00008; ExAC 0.00015; gnomAD 0.00015 and 0.00017; TOPMed 0.00020; ESP Exome Variant Server 0.00023; 1000 Genomes Project 30x 0.00031; 1000 Genomes Project 0.00040.
gnomAD v4.1: 117 of 1,609,924 alleles (0.0073%); highest among the groups gnomAD compares: Middle Eastern, 0.033%; no homozygotes.

Submissions (2):

Blueprint Genetics
Classification: Likely benign. Last evaluated: 2024-03-18. Review status: criteria provided, single submitter. Criteria: ACMG Guidelines, 2015. Collection method: clinical testing. Allele origin: germline.

Department of Pathology and Laboratory Medicine, Sinai Health System
Classification: Likely benign for Polycystic Kidney disease. Review status: no assertion criteria provided. Collection method: clinical testing. Allele origin: unknown. Affected: yes. Study: The Canadian Open Genetics Repository (COGR). Not counted in ClinVar's aggregate classification.
Comment: The PKD1 p.Arg3439Gln variant was not identified in the literature nor was it identified in the ClinVar, COGR, LOVD 3.0, ADPKD Mutation Database or PKD1-LOVD database. The variant was identified in the following databases: dbSNP (ID: rs138546384), and in control databases in 24 of 271604 chromosomes at a frequency of 0.00009 increasing the likelihood this could be a low frequency variant (Genome Aggregation Database Feb 27, 2017). It was observed in the following populations: African in 9 of 23526 chromosomes (freq: 0.0004), Latino in 4 of 34342 chromosomes (freq: 0.0001), European Non-Finnish in 7 of 124778 chromosomes (freq: 0.00006), East Asian in 1 of 18778 chromosomes (freq: 0.00005), and South Asian in 3 of 30740 chromosomes (freq: 0.0001); it was not observed in the â€šÃ„ÃºOtherâ€šÃ„Ã¹, Ashkenazi Jewish, or European Finnish populations. The p.Arg3439 residue is not conserved in mammals and computational analyses (PolyPhen-2, SIFT, AlignGVGD, BLOSUM, MutationTaster) do not suggest a high likelihood that the variant Gln impacts the protein; however, this information is not predictive enough to rule out pathogenicity. The variant occurs outside of the splicing consensus sequence and 1 of 5 in silico or computational prediction software programs (SpliceSiteFinder, MaxEntScan, NNSPLICE, GeneSplicer, HumanSpliceFinder) predict a greater than 10% difference in splicing; this is not very predictive of pathogenicity. In summary, based on the above information the clinical significance of this variant cannot be determined with certainty at this time although we would lean towards a more benign role for this variant. This variant is classified as likely benign.